The following is an entry in ClinVar:

ClinVar aggregate classification (germline): Uncertain significance (1 of 4 stars; one submission).

Submission:

Ambry Genetics
Classification: Uncertain significance. Last evaluated: 2022-09-30. Review status: criteria provided, single submitter. Criteria: Ambry Variant Classification Scheme 2023. Collection method: clinical testing. Allele origin: germline.
Comment: The p.S846R variant (also known as c.2538C>G) is located in coding exon 24 of the KIF1B gene. The serine at codon 846 is replaced by arginine, an amino acid with dissimilar properties. This change occurs in the first base pair of coding exon 24. This amino acid position is conserved. In addition, this alteration is predicted to be deleterious by in silico analysis. Since supporting evidence is limited at this time, the clinical significance of this alteration remains unclear.

NM_001365951.3(KIF1B):c.2676C>G (p.Ser892Arg)

Genes: KIF1B (kinesin family member 1B; plus strand), LOC126805614 (BRD4-independent group 4 enhancer GRCh37_chr1:10385546-10386745; plus strand). Cytogenetic location: 1p36.22.
Variant type: single nucleotide variant.
Coding change: c.2676C>G on transcript NM_001365951.3 (MANE Select); coding-DNA position 2676, C replaced by G.
Protein change: p.Ser892Arg; replaces serine 892 with arginine.
Molecular consequence: missense variant.
Genome position (GRCh38, 1-based): chr1:10,326,111, C>G. VCF-style: chr1-10326111-C-G. GRCh37 (hg19) VCF-style: chr1-10386169-C-G.
Other names: c.2676C>G, p.Ser892Arg (NM_001365952.1); c.2538C>G, p.Ser846Arg (NM_015074.3); short protein forms S892R, S846R.
Identifiers: ClinVar variation 1792775 (VCV001792775.2), dbSNP rs2521638575, ClinGen allele CA338336693.